The following is an entry in ClinVar:

ClinVar aggregate classification (germline): Uncertain significance. Review status: criteria provided, multiple submitters, no conflicts (2 of 4 stars). 2 submissions from 2 submitters: Uncertain significance (2). Last evaluated 2026-09-02.

Conditions:
Holoprosencephaly 2 (HPE2). Identifiers: Orphanet 2162, MedGen C1834877, MONDO:0007999, OMIM 157170.
Inborn genetic diseases. Identifiers: MedGen C0950123, MeSH D030342.

Allele frequency attached by ClinVar (database versions not stated): TOPMed 0.00004; gnomAD 0.00001.
gnomAD v4.1: 7 of 1,598,482 alleles (0.00044%); highest among the groups gnomAD compares: South Asian, 0.0022%; no homozygotes.

Submissions (2):

Ambry Genetics
Classification: Uncertain significance for Inborn genetic diseases. Last evaluated: 2026-09-02. Review status: criteria provided, single submitter. Criteria: Ambry Variant Classification Scheme 2023. Collection method: clinical testing. Allele origin: germline.
Comment: The c.430A>G (p.N144D) alteration is located in exon 1 (coding exon 1) of the SIX3 gene. This alteration results from a A to G substitution at nucleotide position 430, causing the asparagine (N) at amino acid position 144 to be replaced by an aspartic acid (D). Based on data from gnomAD, the G allele has an overall frequency of <0.001% (1/232998) total alleles studied. The highest observed frequency was 0.003% (1/30362) of South Asian alleles. Based on insufficient or conflicting evidence, the clinical significance of this alteration remains unclear.

Labcorp Genetics (formerly Invitae), Labcorp
Classification: Uncertain significance for Holoprosencephaly 2. Last evaluated: 2023-02-22. Review status: criteria provided, single submitter. Criteria: Invitae Variant Classification Sherloc (09022015). Collection method: clinical testing. Allele origin: germline.
Comment: In summary, the available evidence is currently insufficient to determine the role of this variant in disease. Therefore, it has been classified as a Variant of Uncertain Significance. Advanced modeling of protein sequence and biophysical properties (such as structural, functional, and spatial information, amino acid conservation, physicochemical variation, residue mobility, and thermodynamic stability) performed at Invitae indicates that this missense variant is not expected to disrupt SIX3 protein function. This variant has not been reported in the literature in individuals affected with SIX3-related conditions. This variant is present in population databases (no rsID available, gnomAD 0.007%). This sequence change replaces asparagine, which is neutral and polar, with aspartic acid, which is acidic and polar, at codon 144 of the SIX3 protein (p.Asn144Asp).

NM_005413.4(SIX3):c.430A>G (p.Asn144Asp)

Gene: SIX3 (SIX homeobox 3; plus strand). Cytogenetic location: 2p21.
Variant type: single nucleotide variant.
Coding change: c.430A>G on transcript NM_005413.4 (MANE Select); coding-DNA position 430, A replaced by G.
Protein change: p.Asn144Asp; replaces asparagine 144 with aspartic acid.
Molecular consequence: missense variant.
Genome position (GRCh38, 1-based): chr2:44,942,534, A>G. VCF-style: chr2-44942534-A-G. GRCh37 (hg19) VCF-style: chr2-45169673-A-G.
Other names: c.430A>G (NM_005413.3); short protein forms N144D.
Identifiers: ClinVar variation 2891011 (VCV002891011.4), dbSNP rs1460056891, ClinGen allele CA346799555.